The following is an entry in ClinVar:

NM_001197104.2(KMT2A):c.9928G>A (p.Gly3310Arg)

Gene: KMT2A (lysine methyltransferase 2A; plus strand). Cytogenetic location: 11q23.3.
Variant type: single nucleotide variant.
Coding change: c.9928G>A on transcript NM_001197104.2 (MANE Select); coding-DNA position 9928, G replaced by A.
Protein change: p.Gly3310Arg; replaces glycine 3310 with arginine.
Molecular consequence: missense variant.
Genome position (GRCh38, 1-based): chr11:118,505,820, G>A. VCF-style: chr11-118505820-G-A. GRCh37 (hg19) VCF-style: chr11-118376535-G-A.
Other names: c.10018G>A, p.Gly3340Arg (NM_001412597.1); c.9919G>A, p.Gly3307Arg (NM_005933.4); short protein forms G3310R, G3340R, G3307R.
Identifiers: ClinVar variation 2709067 (VCV002709067.3), dbSNP rs2134408682, ClinGen allele CA382822286.

ClinVar aggregate classification (germline): Uncertain significance (1 of 4 stars; one submission).

Submission:

Labcorp Genetics (formerly Invitae), Labcorp
Classification: Uncertain significance. Last evaluated: 2024-01-12. Review status: criteria provided, single submitter. Criteria: Invitae Variant Classification Sherloc (09022015). Collection method: clinical testing. Allele origin: germline.
Comment: This sequence change replaces glycine, which is neutral and non-polar, with arginine, which is basic and polar, at codon 3310 of the KMT2A protein (p.Gly3310Arg). This variant is not present in population databases (gnomAD no frequency). This variant has not been reported in the literature in individuals affected with KMT2A-related conditions. Advanced modeling of protein sequence and biophysical properties (such as structural, functional, and spatial information, amino acid conservation, physicochemical variation, residue mobility, and thermodynamic stability) performed at Invitae indicates that this missense variant is not expected to disrupt KMT2A protein function with a negative predictive value of 95%. In summary, the available evidence is currently insufficient to determine the role of this variant in disease. Therefore, it has been classified as a Variant of Uncertain Significance.